The following is an entry in ClinVar:

NM_003036.4(SKI):c.26G>A (p.Gly9Asp)

Gene: SKI (SKI proto-oncogene; plus strand). Cytogenetic location: 1p36.33.
Variant type: single nucleotide variant.
Coding change: c.26G>A on transcript NM_003036.4 (MANE Select); coding-DNA position 26, G replaced by A.
Protein change: p.Gly9Asp; replaces glycine 9 with aspartic acid.
Molecular consequence: missense variant.
Genome position (GRCh38, 1-based): chr1:2,228,792, G>A. VCF-style: chr1-2228792-G-A. GRCh37 (hg19) VCF-style: chr1-2160231-G-A.
Other names: short protein forms G9D.
Identifiers: ClinVar variation 1306694 (VCV001306694.2), dbSNP rs2100789413, ClinGen allele CA337951925.
Genomic context (GRCh38, chr1:2,228,792, plus strand): 5'-GGGAGCGGGAGCGGCCGGGGGAGCCGGAGCGCACCATGGAGGCGGCGGCAGGCGGCCGCG[G>A]CTGTTTCCAGCCGCACCCGGGGCTGCAGAAGACGCTGGAGCAGTTCCACCTGAGCTCCAT-3'
Protein context (NP_003027.1, residues 1-19): MEAAAGGR[Gly9Asp]CFQPHPGLQK

ClinVar aggregate classification (germline): Uncertain significance (1 of 4 stars; one submission).

Submission:

GeneDx
Classification: Uncertain significance. Last evaluated: 2019-06-26. Review status: criteria provided, single submitter. Criteria: GeneDx Variant Classification Process June 2021. Collection method: clinical testing. Allele origin: germline. Affected: yes.
Comment: Has not been previously published as pathogenic or benign to our knowledge; Not observed in large population cohorts (Lek et al., 2016); In silico analysis, which includes protein predictors and evolutionary conservation, supports that this variant does not alter protein structure/function